The following is an entry in ClinVar:

NM_000372.5(TYR):c.163T>G (p.Cys55Gly)

Gene: TYR (tyrosinase; plus strand). Cytogenetic location: 11q14.3.
Variant type: single nucleotide variant.
Coding change: c.163T>G on transcript NM_000372.5 (MANE Select); coding-DNA position 163, T replaced by G.
Protein change: p.Cys55Gly; replaces cysteine 55 with glycine.
Molecular consequence: missense variant.
Genome position (GRCh38, 1-based): chr11:89,178,116, T>G. VCF-style: chr11-89178116-T-G. GRCh37 (hg19) VCF-style: chr11-88911284-T-G.
Other names: short protein forms C55G.
Identifiers: ClinVar variation 144104 (VCV000144104.2), dbSNP rs367543067, ClinGen allele CA270634.

ClinVar aggregate classification (germline): not provided (0 of 4 stars; one submission).

Conditions:
Oculocutaneous albinism type 1A (OCA1A). Also called: Albinism, oculocutaneous, type IA. Identifiers: Orphanet 352731, Orphanet 79431, MedGen C4551504, MONDO:0008745, OMIM 203100. Disease mechanism: loss of function.
Oculocutaneous albinism type 1B (OCA1B). Also called: ALBINISM, OCULOCUTANEOUS, TYPE IB; ALBINISM, YELLOW MUTANT TYPE; YELLOW ALBINISM. Identifiers: Orphanet 352731, Orphanet 352737, Orphanet 79434, MedGen C1847024, MONDO:0011749, OMIM 606952.

Allele frequency attached by ClinVar (database versions not stated): gnomAD 0.00001.
gnomAD v4.1: 2 of 1,614,104 alleles (0.00012%); highest among the groups gnomAD compares: Admixed American, 0.0017%; no homozygotes.

Submission:

Laboratorio de Genetica Humana; Universidad de los Andes
No classification provided. Condition: Oculocutaneous albinism type 1A; Oculocutaneous albinism type 1B. Review status: no classification provided. Collection method: not provided. Allele origin: unknown.
ClinVar note: Converted during submission from untested to not provided.